The following is an entry in ClinVar:

NM_003660.4(PPFIA3):c.2458A>T (p.Arg820Trp)

Gene: PPFIA3 (PPFI scaffold protein A3; plus strand). Cytogenetic location: 19q13.33.
Variant type: single nucleotide variant.
Coding change: c.2458A>T on transcript NM_003660.4 (MANE Select); coding-DNA position 2458, A replaced by T.
Protein change: p.Arg820Trp; replaces arginine 820 with tryptophan.
Molecular consequence: missense variant. On other transcripts: non-coding transcript variant (1).
Genome position (GRCh38, 1-based): chr19:49,141,509, A>T. VCF-style: chr19-49141509-A-T. GRCh37 (hg19) VCF-style: chr19-49644766-A-T.
Other names: short protein forms R820W.
Identifiers: ClinVar variation 5020586 (VCV005020586.1).

ClinVar aggregate classification (germline): Uncertain significance (1 of 4 stars; one submission).

Submission:

Dasa
Classification: Uncertain significance. Last evaluated: 2026-05-10. Review status: criteria provided, single submitter. Criteria: DASA Assertion Criteria. Collection method: clinical testing. Allele origin: germline.
Comment: NM_003660.4(PPFIA3):c.2458A>T (p.Arg820Trp) is a missense variant that results in the substitution of arginine with tryptophan. This variant is absent from population databases. Computational prediction algorithms are consistent with a benign effect. The currently available literature and clinical evidence are not sufficient to establish a definitive association between this variant and the reported condition. Therefore, this variant is classified as a variant of uncertain significance.